The following is an entry in ClinVar:

ClinVar aggregate classification (germline): Benign/Likely benign. Review status: criteria provided, multiple submitters, no conflicts (2 of 4 stars). 3 submissions from 3 submitters: Benign (1); Likely benign (2). Last evaluated 2026-06-01.

Allele frequency attached by ClinVar (database versions not stated): gnomAD exomes 0.00020 and 0.00053; ExAC 0.00062; gnomAD 0.00190 and 0.00202; 1000 Genomes Project 0.00300; 1000 Genomes Project 30x 0.00359; ESP Exome Variant Server 0.00202; TOPMed 0.00233.
gnomAD v4.1: 578 of 1,614,128 alleles (0.036%); highest among the groups gnomAD compares: African/African-American, 0.7%; 4 homozygotes.

Submissions (3):

CeGaT Center for Human Genetics Tuebingen
Classification: Likely benign. Last evaluated: 2026-06-01. Review status: criteria provided, single submitter. Criteria: CeGaT Center For Human Genetics Tuebingen Variant Classification Criteria Version 2. Collection method: clinical testing. Allele origin: germline. Affected: yes. Observed: 1 variant allele.
Comment: SPEG: BP4, BP7

Labcorp Genetics (formerly Invitae), Labcorp
Classification: Benign. Last evaluated: 2026-01-27. Review status: criteria provided, single submitter. Criteria: Invitae Variant Classification Sherloc (09022015). Collection method: clinical testing. Allele origin: germline.

Blueprint Genetics
Classification: Likely benign. Last evaluated: 2023-07-28. Review status: criteria provided, single submitter. Criteria: ACMG Guidelines, 2015. Collection method: clinical testing. Allele origin: germline.

NM_005876.5(SPEG):c.5242C>T (p.Leu1748=)

Gene: SPEG (striated muscle enriched protein kinase; plus strand). Cytogenetic location: 2q35.
Variant type: single nucleotide variant.
Coding change: c.5242C>T on transcript NM_005876.5 (MANE Select); coding-DNA position 5242, C replaced by T.
Protein change: p.Leu1748=; no amino-acid change (leucine 1748 retained).
Molecular consequence: synonymous variant.
Genome position (GRCh38, 1-based): chr2:219,480,040, C>T. VCF-style: chr2-219480040-C-T. GRCh37 (hg19) VCF-style: chr2-220344762-C-T.
Identifiers: ClinVar variation 720344 (VCV000720344.13), dbSNP rs201323507, ClinGen allele CA2126775.